The following is an entry in ClinVar:

NM_005591.4(MRE11):c.1139G>A (p.Arg380His)

Gene: MRE11 (MRE11 double strand break repair nuclease; minus strand). Cytogenetic location: 11q21.
Variant type: single nucleotide variant.
Coding change: c.1139G>A on transcript NM_005591.4 (MANE Select); coding-DNA position 1139, G replaced by A.
Protein change: p.Arg380His; replaces arginine 380 with histidine.
Molecular consequence: missense variant.
Genome position (GRCh38, 1-based): chr11:94,464,199, C>T on the plus strand (G>A on the coding strand, the complement: MRE11 is on the minus strand). VCF-style: chr11-94464199-C-T. GRCh37 (hg19) VCF-style: chr11-94197365-C-T.
Other names: c.1139G>A, p.Arg380His (NM_001330347.2, NM_005590.4); short protein forms R380H.
Identifiers: ClinVar variation 141307 (VCV000141307.20), dbSNP rs587781646, ClinGen allele CA165066.

ClinVar aggregate classification (germline): Uncertain significance. Review status: criteria provided, multiple submitters, no conflicts (2 of 4 stars). 6 submissions from 6 submitters: Uncertain significance (6). Last evaluated 2025-10-04.

Conditions:
Ataxia-telangiectasia-like disorder (ATLD). Identifiers: MedGen C1858391, MONDO:0011457.
Hereditary cancer-predisposing syndrome. Also called: Neoplastic Syndromes, Hereditary; Tumor predisposition; Hereditary Cancer Syndrome; Hereditary neoplastic syndrome. Identifiers: Orphanet 140162, MedGen C0027672, MeSH D009386, MONDO:0015356.
Ataxia-telangiectasia-like disorder 1 (ATLD1). Identifiers: Orphanet 251347, MedGen C4012790, MONDO:0024557, OMIM 604391.

Allele frequency attached by ClinVar (database versions not stated): TOPMed 0.00001; gnomAD 0.00002; gnomAD exomes 0.00002 and 0.00006; ExAC 0.00003.
gnomAD v4.1: 86 of 1,613,716 alleles (0.0053%); highest among the groups gnomAD compares: Non-Finnish European, 0.0067%; no homozygotes.

Submissions (6):

Labcorp Genetics (formerly Invitae), Labcorp
Classification: Uncertain significance for Ataxia-telangiectasia-like disorder. Last evaluated: 2025-10-04. Review status: criteria provided, single submitter. Criteria: Invitae Variant Classification Sherloc (09022015). Collection method: clinical testing. Allele origin: germline.
Comment: This sequence change replaces arginine, which is basic and polar, with histidine, which is basic and polar, at codon 380 of the MRE11 protein (p.Arg380His). This variant is present in population databases (rs587781646, gnomAD 0.01%). This missense change has been observed in individual(s) with prostate cancer or breast cancer (PMID: 24556621, 26534844, 29371908). ClinVar contains an entry for this variant (Variation ID: 141307). An algorithm developed to predict the effect of missense changes on protein structure and function (PolyPhen-2) suggests that this variant is likely to be disruptive. In summary, the available evidence is currently insufficient to determine the role of this variant in disease. Therefore, it has been classified as a Variant of Uncertain Significance.

Ambry Genetics
Classification: Uncertain significance for Hereditary cancer-predisposing syndrome. Last evaluated: 2024-05-07. Review status: criteria provided, single submitter. Criteria: Ambry Variant Classification Scheme 2023. Collection method: clinical testing. Allele origin: germline.
Comment: The p.R380H variant (also known as c.1139G>A), located in coding exon 10 of the MRE11A gene, results from a G to A substitution at nucleotide position 1139. The arginine at codon 380 is replaced by histidine, an amino acid with highly similar properties. This variant was reported in one individual from a familial prostate cancer cohort (Leongamornlert D et al. Br. J. Cancer. 2014 Mar; 110(6):1663-72). This alteration has also been reported in a cohort of BRCA1/2 mutation-negative women with familial breast cancer (Li J et al. J. Med. Genet., 2016 Jan;53:34-42). Additionally, this alteration was identified in an individual diagnosed with breast and/or cancer who did not have the known pathogenic alteration in BRCA1/2 identified in their family (Dominguez-Valentin M et al. Hered Cancer Clin Pract, 2018 Jan;16:4). This amino acid position is highly conserved in available vertebrate species. In addition, this alteration is predicted to be deleterious by in silico analysis. Based on the available evidence, the clinical significance of this variant remains unclear.

Baylor Genetics
Classification: Uncertain significance for Ataxia-telangiectasia-like disorder 1. Last evaluated: 2022-10-24. Review status: criteria provided, single submitter. Criteria: ACMG Guidelines, 2015. Collection method: clinical testing. Allele origin: unknown.

Sema4
Classification: Uncertain significance for Hereditary cancer-predisposing syndrome. Last evaluated: 2021-12-10. Review status: criteria provided, single submitter. Criteria: Sema4 Curation Guidelines. Collection method: curation. Allele origin: germline.
Comment: The MRE11 c.1139G>A (p.R380H) variant has been reported in heterozygosity in individuals with breast or prostate cancer (PMID: 33471991, 24556621, 29371908, 26534844). It has also been reported in healthy controls (PMID: 33471991). It was observed in 4/35438 chromosomes of the Latino subpopulation in the large and broad cohorts of the Genome Aggregation Database (PMID: 32461654). The variant has been reported in ClinVar (Variation ID: 141307). In silico tools suggest the impact of the variant on protein function is deleterious, though these predictions have not been confirmed by functional studies. The evidence is insufficient to meet ACMG/AMP criteria for classifying the variant as benign or pathogenic. Thus, the clinical significance of this variant is currently uncertain.

Women's Health and Genetics/Laboratory Corporation of America, LabCorp
Classification: Uncertain significance. Last evaluated: 2018-11-20. Review status: criteria provided, single submitter. Criteria: LabCorp Variant Classification Summary - May 2015. Collection method: clinical testing. Allele origin: germline.
Comment: Variant summary: MRE11A c.1139G>A (p.Arg380His) results in a non-conservative amino acid change located in the Mre11, DNA-binding domain of the encoded protein sequence. Five of five in-silico tools predict a damaging effect of the variant on protein function. The variant allele was found at a frequency of 3.2e-05 in 277040 control chromosomes (gnomAD). The available data on variant occurrences in the general population are insufficient to allow any conclusion about variant significance. The variant, c.1139G>A has been reported in the literature in individuals affected with Hereditary Breast and Ovarian Cancer (Dominguez-Valentin_2018, Li_2015, Leongamornlert_2014). These reports do not provide unequivocal conclusions about association of the variant with Hereditary Breast and Ovarian Cancer. To our knowledge, no experimental evidence demonstrating an impact on protein function has been reported. Two clinical diagnostic laboratories have submitted clinical-significance assessments for this variant to ClinVar after 2014 without evidence for independent evaluation. All laboratories classified the variant as uncertain significance. Based on the evidence outlined above, the variant was classified as uncertain significance.

Athena Diagnostics
Classification: Uncertain significance. Last evaluated: 2018-09-04. Review status: criteria provided, single submitter. Criteria: Athena Diagnostics Criteria. Collection method: clinical testing. Allele origin: germline.

Literature cited by the submitters: PubMed 24556621 (cited by 4 submitters); PubMed 26534844 (cited by 4 submitters); PubMed 29371908 (cited by 4 submitters); PubMed 33471991 (cited by Sema4); PubMed 28524162 (cited by Women's Health and Genetics/Laboratory Corporation of America, LabCorp).